The following is an entry in ClinVar:

NM_024408.4(NOTCH2):c.5891T>C (p.Ile1964Thr)

Gene: NOTCH2 (notch receptor 2; minus strand). Cytogenetic location: 1p12.
Variant type: single nucleotide variant.
Coding change: c.5891T>C on transcript NM_024408.4 (MANE Select); coding-DNA position 5891, T replaced by C.
Protein change: p.Ile1964Thr; replaces isoleucine 1964 with threonine.
Molecular consequence: missense variant.
Genome position (GRCh38, 1-based): chr1:119,918,444, A>G on the plus strand (T>C on the coding strand, the complement: NOTCH2 is on the minus strand). VCF-style: chr1-119918444-A-G. GRCh37 (hg19) VCF-style: chr1-120461067-A-G.
Other names: short protein forms I1964T.
Identifiers: ClinVar variation 3390751 (VCV003390751.1).
Genomic context (GRCh38, chr1:119,918,444, plus strand): 5'-AATCCCTGCCTTTCATCCCTACCATGGTCATCCACTGCATTCACATCCGCTTGGCAGTTG[A>G]TCAGTTCTGCCACCATTCCCTCCACAGCCAGGCGGGCAGCCAGGATCAGGGGTGTAGTAC-3'
Protein context (NP_077719.2, residues 1954-1974): LAVEGMVAEL[Ile1964Thr]NCQADVNAVD

ClinVar aggregate classification (germline): Uncertain significance (1 of 4 stars; one submission).

gnomAD v4.1: 1 of 1,614,154 alleles (0.000062%); highest among the groups gnomAD compares: South Asian, 0.0011%; no homozygotes.

Submission:

GeneDx
Classification: Uncertain significance. Last evaluated: 2024-06-10. Review status: criteria provided, single submitter. Criteria: GeneDx Variant Classification Process June 2021. Collection method: clinical testing. Allele origin: germline. Affected: yes.
Comment: Not observed at significant frequency in large population cohorts (gnomAD); In silico analysis supports that this missense variant has a deleterious effect on protein structure/function; Has not been previously published as pathogenic or benign to our knowledge